The following is an entry in ClinVar:

ClinVar aggregate classification (germline): Uncertain significance (1 of 4 stars; one submission).

Submission:

Ambry Genetics
Classification: Uncertain significance. Last evaluated: 2025-11-24. Review status: criteria provided, single submitter. Criteria: Ambry Variant Classification Scheme 2023. Collection method: clinical testing. Allele origin: germline.
Comment: The p.I199M variant (also known as c.597T>G), located in coding exon 5 of the RINT1 gene, results from a T to G substitution at nucleotide position 597. The isoleucine at codon 199 is replaced by methionine, an amino acid with highly similar properties. This amino acid position is conserved. In addition, this alteration is predicted to be tolerated by in silico analysis. Since supporting evidence is limited at this time, the clinical significance of this alteration remains unclear.

NM_021930.6(RINT1):c.597T>G (p.Ile199Met)

Gene: RINT1 (RAD50 interactor 1; plus strand). Cytogenetic location: 7q22.3.
Variant type: single nucleotide variant.
Coding change: c.597T>G on transcript NM_021930.6 (MANE Select); coding-DNA position 597, T replaced by G.
Protein change: p.Ile199Met; replaces isoleucine 199 with methionine.
Molecular consequence: missense variant. On other transcripts: 5 prime UTR variant (2), non-coding transcript variant (1), intron variant (1).
Genome position (GRCh38, 1-based): chr7:105,546,991, T>G. VCF-style: chr7-105546991-T-G. GRCh37 (hg19) VCF-style: chr7-105187438-T-G.
Other names: c.363T>G, p.Ile121Met (NM_001346599.2); c.-423T>G (NM_001346600.2); c.-326T>G (NM_001346601.2); c.-27-3064T>G (NM_001346603.2); short protein forms I121M, I199M.
Identifiers: ClinVar variation 3227663 (VCV003227663.2), dbSNP rs2133386521, ClinGen allele CA368805462.
Genomic context (GRCh38, chr7:105,546,991, plus strand): 5'-GATGACCAATAATGTACCGGAGGCAGCCTCCACTCTAGTGTCTATGGCAGAACTTGACAT[T>G]AAACTTCAGGAATCATCTTGTACTCATCTTCTTGGTTTCATGAGAGCCACAGTTAAATTC-3'
Protein context (NP_068749.3, residues 189-209): STLVSMAELD[Ile199Met]KLQESSCTHL